The following is an entry in ClinVar:

ClinVar aggregate classification (germline): Uncertain significance (1 of 4 stars; one submission).

Conditions:
Bethlem myopathy 2 (BTHLM2). Identifiers: Orphanet 536516, Orphanet 610, MedGen C4225313, MONDO:0034022, OMIM 616471.
Ullrich congenital muscular dystrophy 2 (UCMD2). Identifiers: Orphanet 75840, MedGen C4225314, MONDO:0014654, OMIM 616470.

gnomAD v4.1: 1 of 1,608,408 alleles (0.000062%); highest among the groups gnomAD compares: Non-Finnish European, 0.000085%; no homozygotes.

Submission:

Labcorp Genetics (formerly Invitae), Labcorp
Classification: Uncertain significance for Bethlem myopathy 2; Ullrich congenital muscular dystrophy 2. Last evaluated: 2025-09-02. Review status: criteria provided, single submitter. Criteria: Invitae Variant Classification Sherloc (09022015). Collection method: clinical testing. Allele origin: germline.
Comment: This sequence change replaces proline, which is neutral and non-polar, with leucine, which is neutral and non-polar, at codon 2084 of the COL12A1 protein (p.Pro2084Leu). This variant is present in population databases (no rsID available, gnomAD 0.0009%). This variant has not been reported in the literature in individuals affected with COL12A1-related conditions. Invitae Evidence Modeling of protein sequence and biophysical properties (such as structural, functional, and spatial information, amino acid conservation, physicochemical variation, residue mobility, and thermodynamic stability) indicates that this missense variant is not expected to disrupt COL12A1 protein function with a negative predictive value of 80%. In summary, the available evidence is currently insufficient to determine the role of this variant in disease. Therefore, it has been classified as a Variant of Uncertain Significance.

NM_004370.6(COL12A1):c.6251C>T (p.Pro2084Leu)

Gene: COL12A1 (collagen type XII alpha 1 chain; minus strand). Cytogenetic location: 6q13.
Variant type: single nucleotide variant.
Coding change: c.6251C>T on transcript NM_004370.6 (MANE Select); coding-DNA position 6251, C replaced by T.
Protein change: p.Pro2084Leu; replaces proline 2084 with leucine.
Molecular consequence: missense variant.
Genome position (GRCh38, 1-based): chr6:75,128,385, G>A on the plus strand (C>T on the coding strand, the complement: COL12A1 is on the minus strand). VCF-style: chr6-75128385-G-A. GRCh37 (hg19) VCF-style: chr6-75838101-G-A.
Other names: c.6251C>T, p.Pro2084Leu (NM_001424113.1); c.6230C>T, p.Pro2077Leu (NM_001424114.1); c.5978C>T, p.Pro1993Leu (NM_001424115.1); c.2759C>T, p.Pro920Leu (NM_001424116.1, NM_080645.3); short protein forms P1993L, P920L, P2077L, P2084L.
Identifiers: ClinVar variation 4791233 (VCV004791233.1).